The following is an entry in ClinVar:

NM_001039.4(SCNN1G):c.1431+1G>T

Gene: SCNN1G (sodium channel epithelial 1 subunit gamma; plus strand). Cytogenetic location: 16p12.2.
Variant type: single nucleotide variant.
Coding change: c.1431+1G>T on transcript NM_001039.4 (MANE Select); the canonical splice donor site of the intron after coding-DNA position 1431, G replaced by T.
Molecular consequence: splice donor variant.
Genome position (GRCh38, 1-based): chr16:23,212,895, G>T. VCF-style: chr16-23212895-G-T. GRCh37 (hg19) VCF-style: chr16-23224216-G-T.
Identifiers: ClinVar variation 2632715 (VCV002632715.1), dbSNP rs1960103151, ClinGen allele CA395102635.

ClinVar aggregate classification (germline): Likely pathogenic (1 of 4 stars; one submission).

Conditions:
SCNN1G-related disorder. Also called: SCNN1G-related condition; SCNN1G-Related Disorders.

Submission:

PreventionGenetics, part of Exact Sciences
Classification: Likely pathogenic for SCNN1G-related condition. Last evaluated: 2023-06-12. Review status: criteria provided, single submitter. Criteria: ACMG Guidelines, 2015. Collection method: clinical testing. Allele origin: germline.
Comment: The SCNN1G c.1431+1G>T variant is predicted to disrupt the GT donor site and interfere with normal splicing. To our knowledge, this variant has not been reported in the literature or in a large population database, indicating this variant is rare. Variants that disrupt the consensus splice donor site in SCNN1G are expected to be pathogenic. This variant is interpreted as likely pathogenic.